The following is an entry in ClinVar:

NM_053025.4(MYLK):c.*612C>A

Genes: MYLK-AS1 (MYLK antisense RNA 1; plus strand), MYLK (myosin light chain kinase; minus strand). Cytogenetic location: 3q21.1.
Variant type: single nucleotide variant.
Coding change: c.*612C>A on transcript NM_053025.4 (MANE Select); 612 bases downstream of the stop codon, C replaced by A.
Molecular consequence: 3 prime UTR variant.
Genome position (GRCh38, 1-based): chr3:123,613,493, G>T on the plus strand (C>A on the coding strand, the complement: MYLK is on the minus strand). VCF-style: chr3-123613493-G-T. GRCh37 (hg19) VCF-style: chr3-123332340-G-T.
Other names: c.*612C>A (NM_001321309.2, NM_053026.4, NM_053027.4 and 3 more transcripts).
Identifiers: ClinVar variation 342849 (VCV000342849.6), dbSNP rs9422, ClinGen allele CA10615079.

ClinVar aggregate classification (germline): Benign. Review status: criteria provided, multiple submitters, no conflicts (2 of 4 stars). 2 submissions from 2 submitters: Benign (2). Last evaluated 2018-01-13.

Conditions:
Aortic aneurysm, familial thoracic 7 (AAT7). Also called: AORTIC DISSECTION, FAMILIAL, WITH OR WITHOUT AORTIC ANEURYSM. Identifiers: MedGen C3151077, MONDO:0013418, OMIM 613780.

Allele frequency attached by ClinVar (database versions not stated): gnomAD exomes 0.15055; gnomAD 0.36021 and 0.36136; TOPMed 0.39606; 1000 Genomes Project 0.49561; 1000 Genomes Project 30x 0.49969.
gnomAD v4.1: 54,861 of 153,240 alleles (36%); highest among the groups gnomAD compares: African/African-American, 71%; 14,487 homozygotes.

Submissions (2):

Illumina Laboratory Services, Illumina
Classification: Benign for Aortic aneurysm, familial thoracic 7. Last evaluated: 2018-01-13. Review status: criteria provided, single submitter. Criteria: ICSL Variant Classification Criteria 13 December 2019. Collection method: clinical testing. Allele origin: germline.
Comment: This variant was observed in the ICSL laboratory as part of a predisposition screen in an ostensibly healthy population. It had not been previously curated by ICSL or reported in the Human Gene Mutation Database (HGMD: prior to June 1st, 2018), and was therefore a candidate for classification through an automated scoring system. Utilizing variant allele frequency, disease prevalence and penetrance estimates, and inheritance mode, an automated score was calculated to assess if this variant is too frequent to cause the disease. Based on the score and internal cut-off values, a variant classified as benign is not then subjected to further curation. The score for this variant resulted in a classification of benign for this disease.

Breakthrough Genomics
Classification: Benign. Review status: criteria provided, single submitter. Criteria: ACMG Guidelines, 2015. Collection method: not provided. Allele origin: germline. Inheritance: Autosomal recessive inheritance. Affected: yes.